The following is an entry in ClinVar:

ClinVar aggregate classification (germline): Uncertain significance (1 of 4 stars; one submission).

Conditions:
Niemann-Pick disease, type C1. Also called: NEUROVISCERAL STORAGE DISEASE WITH VERTICAL SUPRANUCLEAR OPHTHALMOPLEGIA; NIEMANN-PICK DISEASE WITH CHOLESTEROL ESTERIFICATION BLOCK; NIEMANN-PICK DISEASE WITHOUT SPHINGOMYELINASE DEFICIENCY; NIEMANN-PICK DISEASE, CHRONIC NEURONOPATHIC FORM; NIEMANN-PICK DISEASE, VARIANT TYPE C1. Identifiers: Orphanet 646, MedGen C3179455, MONDO:0009757, OMIM 257220.

Submission:

Myriad Genetics, Inc.
Classification: Uncertain significance for Niemann-Pick disease, type C1. Last evaluated: 2026-04-07. Review status: criteria provided, single submitter. Criteria: Myriad Autosomal Dominant, Autosomal Recessive and X-Linked Classification Criteria (2023). Collection method: clinical testing. Allele origin: unknown.
Comment: NM_000271.4(NPC1):c.724G>A(D242N) is a missense variant classified as a variant of uncertain significance in the context of Niemann-Pick disease type C1. D242N has been observed in cases with relevant disease (PMID: 11349231, 30285904). Relevant functional assessments of this variant are not available in the literature. D242N has not been observed in referenced population frequency databases. In summary, there is insufficient evidence to classify NM_000271.4(NPC1):c.724G>A(D242N) as pathogenic or benign. Please note: this variant was assessed in the context of healthy population screening.

Literature cited by the submitters: PubMed 11349231; PubMed 30285904.

NM_000271.5(NPC1):c.724G>A (p.Asp242Asn)

Gene: NPC1 (NPC intracellular cholesterol transporter 1; minus strand). Cytogenetic location: 18q11.2.
Variant type: single nucleotide variant.
Coding change: c.724G>A on transcript NM_000271.5 (MANE Select); coding-DNA position 724, G replaced by A.
Protein change: p.Asp242Asn; replaces aspartic acid 242 with asparagine.
Molecular consequence: missense variant.
Genome position (GRCh38, 1-based): chr18:23,560,388, C>T on the plus strand (G>A on the coding strand, the complement: NPC1 is on the minus strand). VCF-style: chr18-23560388-C-T. GRCh37 (hg19) VCF-style: chr18-21140352-C-T.
Other names: short protein forms D242N.
Identifiers: ClinVar variation 5003212 (VCV005003212.1).